The following is an entry in ClinVar:

ClinVar aggregate classification (germline): Uncertain significance. Review status: criteria provided, multiple submitters, no conflicts (2 of 4 stars). 2 submissions from 2 submitters: Uncertain significance (2). Last evaluated 2024-09-14.

Conditions:
Hereditary cancer-predisposing syndrome. Also called: Neoplastic Syndromes, Hereditary; Tumor predisposition; Hereditary Cancer Syndrome; Hereditary neoplastic syndrome. Identifiers: Orphanet 140162, MedGen C0027672, MeSH D009386, MONDO:0015356.

Submissions (2):

Ambry Genetics
Classification: Uncertain significance for Hereditary cancer-predisposing syndrome. Last evaluated: 2024-09-14. Review status: criteria provided, single submitter. Criteria: Ambry Variant Classification Scheme 2023. Collection method: clinical testing. Allele origin: germline.
Comment: The p.D368E variant (also known as c.1104C>G), located in coding exon 11 of the POLE gene, results from a C to G substitution at nucleotide position 1104. The aspartic acid at codon 368 is replaced by glutamic acid, an amino acid with highly similar properties. This amino acid position is highly conserved in available vertebrate species. In addition, the in silico prediction for this alteration is inconclusive. Based on the available evidence, the clinical significance of this variant remains unclear.

Labcorp Genetics (formerly Invitae), Labcorp
Classification: Uncertain significance. Last evaluated: 2024-02-03. Review status: criteria provided, single submitter. Criteria: Invitae Variant Classification Sherloc (09022015). Collection method: clinical testing. Allele origin: germline.
Comment: This sequence change replaces aspartic acid, which is acidic and polar, with glutamic acid, which is acidic and polar, at codon 368 of the POLE protein (p.Asp368Glu). This variant is not present in population databases (gnomAD no frequency). This variant has not been reported in the literature in individuals affected with POLE-related conditions. An algorithm developed to predict the effect of missense changes on protein structure and function (PolyPhen-2) suggests that this variant is likely to be disruptive. In summary, the available evidence is currently insufficient to determine the role of this variant in disease. Therefore, it has been classified as a Variant of Uncertain Significance.

NM_006231.4(POLE):c.1104C>G (p.Asp368Glu)

Gene: POLE (DNA polymerase epsilon, catalytic subunit; minus strand). Cytogenetic location: 12q24.33.
Variant type: single nucleotide variant.
Coding change: c.1104C>G on transcript NM_006231.4 (MANE Select); coding-DNA position 1104, C replaced by G.
Protein change: p.Asp368Glu; replaces aspartic acid 368 with glutamic acid.
Molecular consequence: missense variant.
Genome position (GRCh38, 1-based): chr12:132,675,737, G>C on the plus strand (C>G on the coding strand, the complement: POLE is on the minus strand). VCF-style: chr12-132675737-G-C. GRCh37 (hg19) VCF-style: chr12-133252323-G-C.
Other names: short protein forms D368E.
Identifiers: ClinVar variation 3422145 (VCV003422145.3).